The following is an entry in ClinVar:

ClinVar aggregate classification (germline): Uncertain significance (1 of 4 stars; one submission).

Conditions:
POLD1-related polyposis and colorectal cancer syndrome (CRCS10). Also called: Colorectal cancer 10; COLORECTAL CANCER, SUSCEPTIBILITY TO, ON CHROMOSOME 19q; Colorectal cancer, susceptibility to, 10. Identifiers: Orphanet 220460, MedGen C2675481, MONDO:0012953, OMIM 612591.

gnomAD v4.1: 2 of 1,552,600 alleles (0.00013%); highest among the groups gnomAD compares: Non-Finnish European, 0.00017%; no homozygotes.

Submission:

Labcorp Genetics (formerly Invitae), Labcorp
Classification: Uncertain significance for POLD1-related polyposis and colorectal cancer syndrome. Last evaluated: 2024-01-07. Review status: criteria provided, single submitter. Criteria: Invitae Variant Classification Sherloc (09022015). Collection method: clinical testing. Allele origin: germline.
Comment: This sequence change replaces arginine, which is basic and polar, with proline, which is neutral and non-polar, at codon 978 of the POLD1 protein (p.Arg978Pro). This variant is not present in population databases (gnomAD no frequency). This variant has not been reported in the literature in individuals affected with POLD1-related conditions. ClinVar contains an entry for this variant (Variation ID: 566738). An algorithm developed to predict the effect of missense changes on protein structure and function (PolyPhen-2) suggests that this variant is likely to be disruptive. In summary, the available evidence is currently insufficient to determine the role of this variant in disease. Therefore, it has been classified as a Variant of Uncertain Significance.

NM_002691.4(POLD1):c.2933G>C (p.Arg978Pro)

Gene: POLD1 (DNA polymerase delta 1, catalytic subunit; plus strand). Cytogenetic location: 19q13.33.
Variant type: single nucleotide variant.
Coding change: c.2933G>C on transcript NM_002691.4 (MANE Select); coding-DNA position 2933, G replaced by C.
Protein change: p.Arg978Pro; replaces arginine 978 with proline.
Molecular consequence: missense variant. On other transcripts: non-coding transcript variant (1).
Genome position (GRCh38, 1-based): chr19:50,416,508, G>C. VCF-style: chr19-50416508-G-C. GRCh37 (hg19) VCF-style: chr19-50919765-G-C.
Other names: c.2933G>C, p.Arg978Pro (NM_001256849.1); c.3011G>C, p.Arg1004Pro (NM_001308632.1); short protein forms R1004P, R978P.
Identifiers: ClinVar variation 566738 (VCV000566738.8), dbSNP rs371628260, ClinGen allele CA406986643.